The following is an entry in ClinVar:

ClinVar aggregate classification (germline): Pathogenic/Likely pathogenic. Review status: criteria provided, multiple submitters, no conflicts (2 of 4 stars). 2 submissions from 2 submitters: Pathogenic (1); Likely pathogenic (1). Last evaluated 2025-09-17.

Conditions:
Arginase deficiency. Also called: ARGININEMIA; ARG1 DEFICIENCY; Arginase 1 Deficiency. Identifiers: Orphanet 90, MedGen C0268548, MONDO:0008814, OMIM 207800.

Allele frequency attached by ClinVar (database versions not stated): gnomAD exomes below 0.00001 and 0.00001; ExAC 0.00001; TOPMed 0.00001; gnomAD 0.00002.

Submissions (2):

Labcorp Genetics (formerly Invitae), Labcorp
Classification: Pathogenic for Arginase deficiency. Last evaluated: 2025-09-17. Review status: criteria provided, single submitter. Criteria: Invitae Variant Classification Sherloc (09022015). Collection method: clinical testing. Allele origin: germline.
Comment: This sequence change affects the initiator codon of the ARG1 mRNA. This change may impact translation initiation or efficiency. The next in-frame methionine is located at codon 200. This variant is present in population databases (rs745624953, gnomAD 0.002%). Disruption of the initiator codon has been observed in individual(s) with arginase deficiency (PMID: 29726057). ClinVar contains an entry for this variant (Variation ID: 645245). This variant disrupts the p.Ile11 amino acid residue in ARG1. Other variant(s) that disrupt this residue have been determined to be pathogenic (PMID: 7649538, 21310339, 22959135, 26310552). This suggests that this residue is clinically significant, and that variants that disrupt this residue are likely to be disease-causing. For these reasons, this variant has been classified as Pathogenic.

Mendelics
Classification: Likely pathogenic for Arginase deficiency. Last evaluated: 2022-09-27. Review status: criteria provided, single submitter. Criteria: ACMG Guidelines, 2015. Collection method: research. Allele origin: unknown. Affected: yes.

Literature cited by the submitters: PubMed 29726057 (cited by Labcorp Genetics (formerly Invitae), Labcorp); PubMed 7649538 (cited by Labcorp Genetics (formerly Invitae), Labcorp); PubMed 21310339 (cited by Labcorp Genetics (formerly Invitae), Labcorp); PubMed 22959135 (cited by Labcorp Genetics (formerly Invitae), Labcorp); PubMed 26310552 (cited by Labcorp Genetics (formerly Invitae), Labcorp).

NM_000045.4(ARG1):c.3G>A (p.Met1Ile)

Gene: ARG1 (arginase 1; plus strand). Cytogenetic location: 6q23.2.
Variant type: single nucleotide variant.
Coding change: c.3G>A on transcript NM_000045.4 (MANE Select); coding-DNA position 3, G replaced by A.
Protein change: p.Met1Ile; changes the start codon (methionine 1).
Molecular consequence: missense variant, initiator codon variant. On other transcripts: non-coding transcript variant (1).
Genome position (GRCh38, 1-based): chr6:131,573,285, G>A. VCF-style: chr6-131573285-G-A. GRCh37 (hg19) VCF-style: chr6-131894425-G-A.
Other names: c.3G>A, p.Met1Ile (NM_001244438.2, NM_001369020.1); short protein forms M1I.
Identifiers: ClinVar variation 645245 (VCV000645245.8), dbSNP rs745624953, ClinGen allele CA3999110.